The following is an entry in ClinVar:

NM_000428.3(LTBP2):c.3423C>A (p.Asp1141Glu)

Gene: LTBP2 (latent transforming growth factor beta binding protein 2; minus strand). Cytogenetic location: 14q24.3.
Variant type: single nucleotide variant.
Coding change: c.3423C>A on transcript NM_000428.3 (MANE Select); coding-DNA position 3423, C replaced by A.
Protein change: p.Asp1141Glu; replaces aspartic acid 1141 with glutamic acid.
Molecular consequence: missense variant.
Genome position (GRCh38, 1-based): chr14:74,508,933, G>T on the plus strand (C>A on the coding strand, the complement: LTBP2 is on the minus strand). VCF-style: chr14-74508933-G-T. GRCh37 (hg19) VCF-style: chr14-74975636-G-T.
Other names: c.3423C>A (NM_000428.2); short protein forms D1141E.
Identifiers: ClinVar variation 973342 (VCV000973342.5), dbSNP rs745791013, ClinGen allele CA7269166.

ClinVar aggregate classification (germline): Uncertain significance. Review status: criteria provided, multiple submitters, no conflicts (2 of 4 stars). 4 submissions from 3 submitters: Uncertain significance (4). Last evaluated 2025-08-06.

Conditions:
Glaucoma 3, primary congenital, D. Identifiers: Orphanet 98976, MedGen C2751316, MONDO:0013122, OMIM 613086.
Weill-Marchesani syndrome 3 (WMS3). Also called: LTBP2-Related Weill-Marchesani Syndrome; Weill-Marchesani syndrome 3, recessive. Identifiers: Orphanet 3449, MedGen C3553785, MONDO:0013899, OMIM 614819.
Microspherophakia and/or megalocornea, with ectopia lentis and with or without secondary glaucoma (MSPKA). Identifiers: Orphanet 238763, MedGen C3538951, MONDO:0009633, OMIM 251750.
Microspherophakia. Identifiers: MedGen C1562061, HP:0030961.
Inborn genetic diseases. Identifiers: MedGen C0950123, MeSH D030342.

Allele frequency attached by ClinVar (database versions not stated): gnomAD 0.00001; TOPMed 0.00005; ExAC 0.00006; gnomAD exomes 0.00011.
gnomAD v4.1: 64 of 1,613,550 alleles (0.004%); highest among the groups gnomAD compares: Admixed American, 0.043%; no homozygotes.

Submissions (4):

Ambry Genetics
Classification: Uncertain significance for Inborn genetic diseases. Last evaluated: 2025-08-06. Review status: criteria provided, single submitter. Criteria: Ambry Variant Classification Scheme 2023. Collection method: clinical testing. Allele origin: germline.

Center for Genomics, Ann and Robert H. Lurie Children's Hospital of Chicago
Classification: Uncertain significance for Glaucoma 3, primary congenital, D; Microspherophakia and/or megalocornea, with ectopia lentis and with or without secondary glaucoma; Weill-Marchesani syndrome 3. Last evaluated: 2020-12-29. Review status: criteria provided, single submitter. Criteria: ACMG Guidelines, 2015. Collection method: clinical testing. Allele origin: germline.
Comment: LTBP2 NM_000428.2 exon 23 p.Asp1141Glu (c.3424C>A): This variant has not been reported in the literature but is present in 0.006% (1/15286) of Latino alleles in the Genome Aggregation Database. This variant is present in ClinVar (Variation ID:973342). Evolutionary conservation and computational predictive tools for this variant are unclear. In summary, data on this variant is insufficient for disease classification. Therefore, the clinical significance of this variant is uncertain.

Center for Genomics, Ann and Robert H. Lurie Children's Hospital of Chicago
Classification: Uncertain significance for Glaucoma 3, primary congenital, D; Microspherophakia and/or megalocornea, with ectopia lentis and with or without secondary glaucoma; Weill-Marchesani syndrome 3. Review status: criteria provided, single submitter. Criteria: ACMG Guidelines, 2015. Collection method: clinical testing. Allele origin: germline.
Comment: the same text as in the submission from Center for Genomics, Ann and Robert H. Lurie Children's Hospital of Chicago above.

UNC Molecular Genetics  Laboratory, University of North Carolina at Chapel Hill
Classification: Uncertain significance for Weill-Marchesani syndrome 3. Review status: criteria provided, single submitter. Criteria: ACMG Guidelines, 2015. Collection method: research. Allele origin: germline. Observed: 1 variant allele. Study: CSER_NCGENES_2.
Comment: LTBP2 c.3423C>A [p.D1141E] is a missense variant that changes a single amino acid from an aspartic acid to a glutamic acid. This is a rare variant present in population databases at low allele frequency (gnomAD); however this variant has not been previously reported in association with eye disorders and is of uncertain clinical significance.